The following is an entry in ClinVar:

ClinVar aggregate classification (germline): Likely pathogenic (1 of 4 stars; one submission).

Conditions:
Cardiovascular phenotype. Identifiers: MedGen CN230736.

Submission:

Ambry Genetics
Classification: Likely pathogenic for Cardiovascular phenotype. Last evaluated: 2025-01-22. Review status: criteria provided, single submitter. Criteria: Ambry Variant Classification Scheme 2023. Collection method: clinical testing. Allele origin: germline.
Comment: The p.G4321* variant (also known as c.12961G>T), located in coding exon 44 of the TTN gene, results from a G to T substitution at nucleotide position 12961. This changes the amino acid from a glycine to a stop codon within coding exon 44. This exon is located in the I-band region of the N2-B isoform of the titin protein and is constitutively expressed in TTN transcripts (percent spliced in or PSI 100%). This alteration is expected to result in loss of function by premature protein truncation or nonsense-mediated mRNA decay. While truncating variants in TTN are present in 1-3% of the general population, truncating variants in the A-band are the most common cause of dilated cardiomyopathy (DCM) (Herman DS et al. N. Engl. J. Med., 2012 Feb;366:619-28; Roberts AM et al. Sci Transl Med, 2015 Jan;7:270ra6). TTN truncating variants encoded in constitutive exons (PSI >90%) have been found to be significantly associated with DCM regardless of their position in titin (Schafer S et al. Nat. Genet., 2017 01;49:46-53). This variant is considered to be rare based on population cohorts in the Genome Aggregation Database (gnomAD). Based on the majority of available evidence to date, this variant is likely to be pathogenic.

NM_001267550.2(TTN):c.14050G>T (p.Gly4684Ter)

Gene: TTN (titin; minus strand). Cytogenetic location: 2q31.2.
Variant type: single nucleotide variant.
Coding change: c.14050G>T on transcript NM_001267550.2 (MANE Select); coding-DNA position 14050, G replaced by T.
Protein change: p.Gly4684Ter; replaces glycine 4684 with a stop codon.
Molecular consequence: nonsense. On other transcripts: intron variant (1).
Genome position (GRCh38, 1-based): chr2:178,739,183, C>A on the plus strand (G>T on the coding strand, the complement: TTN is on the minus strand). VCF-style: chr2-178739183-C-A. GRCh37 (hg19) VCF-style: chr2-179603910-C-A.
Other names: c.13099G>T, p.Gly4367Ter (NM_001256850.1); c.12961G>T, p.Gly4321Ter (NM_003319.4); c.13336G>T, p.Gly4446Ter (NM_133432.3); c.13537G>T, p.Gly4513Ter (NM_133437.4); c.10361-823G>T (NM_133378.4); short protein forms G4446*, G4684*, G4321*, G4367*, G4513*.
Identifiers: ClinVar variation 3812237 (VCV003812237.1).